The following is an entry in ClinVar:

NM_001283009.2(RTEL1):c.1192-2A>G

Genes: RTEL1 (regulator of telomere elongation helicase 1; plus strand), RTEL1-TNFRSF6B (RTEL1-TNFRSF6B readthrough (NMD candidate); plus strand). Cytogenetic location: 20q13.33.
Variant type: single nucleotide variant.
Coding change: c.1192-2A>G on transcript NM_001283009.2 (MANE Select); the canonical splice acceptor site of the intron before coding-DNA position 1192, A replaced by G.
Molecular consequence: splice acceptor variant.
Genome position (GRCh38, 1-based): chr20:63,685,521, A>G. VCF-style: chr20-63685521-A-G. GRCh37 (hg19) VCF-style: chr20-62316874-A-G.
Other names: c.523-2A>G (NM_001283010.1); c.1264-2A>G (NM_032957.5); c.1192-2A>G (NM_016434.4).
Identifiers: ClinVar variation 1520607 (VCV001520607.7), dbSNP rs2145411185, ClinGen allele CA409675568.

ClinVar aggregate classification (germline): Likely pathogenic. Review status: criteria provided, multiple submitters, no conflicts (2 of 4 stars). 2 submissions from 2 submitters: Likely pathogenic (2). Last evaluated 2024-03-26.

Conditions:
Pulmonary fibrosis and/or bone marrow failure, Telomere-related, 3. Also called: PULMONARY FIBROSIS AND/OR BONE MARROW FAILURE SYNDROME, TELOMERE-RELATED, 3. Identifiers: Orphanet 2032, MedGen C4225346, MONDO:0014613, OMIM 616373.
Dyskeratosis congenita, autosomal recessive 5 (DKCB5). Identifiers: MedGen C3554656, MONDO:0014076, OMIM 615190.

Submissions (2):

Labcorp Genetics (formerly Invitae), Labcorp
Classification: Likely pathogenic for Dyskeratosis congenita, autosomal recessive 5; Pulmonary fibrosis and/or bone marrow failure, Telomere-related, 3. Last evaluated: 2024-03-26. Review status: criteria provided, single submitter. Criteria: Invitae Variant Classification Sherloc (09022015). Collection method: clinical testing. Allele origin: germline.
Comment: This sequence change affects an acceptor splice site in intron 14 of the RTEL1 gene. It is expected to disrupt RNA splicing. Variants that disrupt the donor or acceptor splice site typically lead to a loss of protein function (PMID: 16199547), and loss-of-function variants in RTEL1 are known to be pathogenic (PMID: 23453664, 23959892, 25607374). This variant is not present in population databases (gnomAD no frequency). This variant has not been reported in the literature in individuals affected with RTEL1-related conditions. ClinVar contains an entry for this variant (Variation ID: 1520607). Algorithms developed to predict the effect of sequence changes on RNA splicing suggest that this variant may disrupt the consensus splice site. In summary, the currently available evidence indicates that the variant is pathogenic, but additional data are needed to prove that conclusively. Therefore, this variant has been classified as Likely Pathogenic.

Fulgent Genetics
Classification: Likely pathogenic for Dyskeratosis congenita, autosomal recessive 5; Pulmonary fibrosis and/or bone marrow failure, Telomere-related, 3. Last evaluated: 2024-01-02. Review status: criteria provided, single submitter. Criteria: ACMG Guidelines, 2015. Collection method: clinical testing. Allele origin: germline.

Literature cited by the submitters: PubMed 16199547 (cited by Labcorp Genetics (formerly Invitae), Labcorp); PubMed 23453664 (cited by Labcorp Genetics (formerly Invitae), Labcorp); PubMed 23959892 (cited by Labcorp Genetics (formerly Invitae), Labcorp); PubMed 25607374 (cited by Labcorp Genetics (formerly Invitae), Labcorp).